The following is an entry in ClinVar:

NM_001394062.1(MACF1):c.21678+10_21678+13del

Gene: MACF1 (microtubule actin crosslinking factor 1; plus strand). Cytogenetic location: 1p34.3.
Variant type: Deletion.
Coding change: c.21678+10_21678+13del on transcript NM_001394062.1 (MANE Select); bases 10 to 13 of the intron after coding-DNA position 21678, 4 bases deleted (ATAA; older notation c.21678+10_21678+13delATAA).
Molecular consequence: intron variant.
Genome position (GRCh38, 1-based): chr1:39,462,047-39,462,050, ATAA deleted; deleting any 4 consecutive bases within chr1:39,462,045-39,462,050 gives the same sequence; the c. name uses the placement nearest the transcript's 3' end. VCF-style (leftmost placement, unchanged base first): chr1-39462044-GAAAT-G. GRCh37 (hg19) VCF-style: chr1-39927716-GAAAT-G.
Other names: c.15501+10_15501+13del (NM_012090.5); c.9756+10_9756+13del (NM_001397473.1); c.15501+10_15501+13delATAA (NM_012090.5).
Identifiers: ClinVar variation 3031028 (VCV003031028.2), dbSNP rs1166989388, ClinGen allele CA522402319.
Genomic context (GRCh38, chr1:39,462,044, plus strand): 5'-CCCAACAAGGATGCGTATCGACCAACAACCGATGCAGATAAAATCGAAGATGAGGTAAGG[GAAAT>G]AATTATATTTTGAGTACACTTCTGGCTGTAGGTTTGTAATATCCTGAATTTGGTTGGGTT-3'

ClinVar aggregate classification (germline): Likely benign (0 of 4 stars; one submission).

Conditions:
MACF1-related disorder. Also called: MACF1-related condition.

Submission:

PreventionGenetics, part of Exact Sciences
Classification: Likely benign for MACF1-related condition. Last evaluated: 2021-01-05. Review status: no assertion criteria provided. Collection method: clinical testing. Allele origin: germline.
Comment: This variant is classified as likely benign based on ACMG/AMP sequence variant interpretation guidelines (Richards et al. 2015 PMID: 25741868, with internal and published modifications).